The following is an entry in ClinVar:

ClinVar aggregate classification (germline): not provided (0 of 4 stars; one submission).

Allele frequency attached by ClinVar (database versions not stated): TOPMed 0.00004.
gnomAD v4.1: 6 of 152,332 alleles (0.0039%); highest among the groups gnomAD compares: African/African-American, 0.014%; no homozygotes.

Submission:

Human Evolutionary Genetics, Institut Pasteur
No classification provided. Review status: no classification provided. Collection method: not provided. Allele origin: germline.
ClinVar note: Converted during submission from untested to not provided.

NM_001384950.1(NLRC5):c.3987-248C>T

Gene: NLRC5 (NLR family CARD domain containing 5; plus strand). Cytogenetic location: 16q13.
Variant type: single nucleotide variant.
Coding change: c.3987-248C>T on transcript NM_001384950.1 (MANE Select); 248 bases into the intron before coding-DNA position 3987, C replaced by T.
Molecular consequence: intron variant.
Genome position (GRCh38, 1-based): chr16:57,061,200, C>T. VCF-style: chr16-57061200-C-T. GRCh37 (hg19) VCF-style: chr16-57095112-C-T.
Other names: c.3903-248C>T (NM_001384954.1, NM_001384965.1); c.3984-248C>T (NM_001384953.1, NM_001384957.1, NM_001384952.1 and 3 more transcripts); c.3900-248C>T (NM_001384956.1, NM_001384951.1, NM_001330552.2 and 2 more transcripts); c.3810-248C>T (NM_001384959.1, NM_001384960.1); c.3987-248C>T (NM_032206.5, NM_001384955.1, NM_001384969.1 and 2 more transcripts); c.3813-248C>T (NM_001384958.1); c.3897-248C>T (NM_001384967.1); c.3894-248C>T (NM_001384968.1); and 1 more.
Identifiers: ClinVar variation 103187 (VCV000103187.2), dbSNP rs199476002, ClinGen allele CA230234.
Genomic context (GRCh38, chr16:57,061,200, plus strand): 5'-AGGAGACCCTGCGGGTAAGGCAGGAAGTCCCATGCACCCAGAGGCTGGCACAGTGCCTGA[C>T]CTAGAGTCAGCCTCCCTAAATAACTTACTCCTAATACTTTCTTACAGGGGGTGTGGGAGG-3'